The following is an entry in ClinVar:

NM_004933.3(CDH15):c.311T>C (p.Val104Ala)

Gene: CDH15 (cadherin 15; plus strand). Cytogenetic location: 16q24.3.
Variant type: single nucleotide variant.
Coding change: c.311T>C on transcript NM_004933.3 (MANE Select); coding-DNA position 311, T replaced by C.
Protein change: p.Val104Ala; replaces valine 104 with alanine.
Molecular consequence: missense variant.
Genome position (GRCh38, 1-based): chr16:89,180,309, T>C. VCF-style: chr16-89180309-T-C. GRCh37 (hg19) VCF-style: chr16-89246717-T-C.
Other names: short protein forms V104A.
Identifiers: ClinVar variation 3390210 (VCV003390210.14).
Genomic context (GRCh38, chr16:89,180,309, plus strand): 5'-GACCCGGCGTGGATGAGGAGCCCCGGGGCGTCTTCTCTATCGACAAGTTCACAGGGAAGG[T>C]CTTCCTCAATGCCATGCTGGACCGCGAGAAGACTGATCGCTTCAGGGTGCGGAGCTGCGT-3'
Protein context (NP_004924.1, residues 94-114): VFSIDKFTGK[Val104Ala]FLNAMLDREK

ClinVar aggregate classification (germline): Likely benign (1 of 4 stars; one submission).

gnomAD v4.1: 3 of 1,612,206 alleles (0.00019%); highest among the groups gnomAD compares: African/African-American, 0.004%; no homozygotes.

Submission:

CeGaT Center for Human Genetics Tuebingen
Classification: Likely benign. Last evaluated: 2024-11-01. Review status: criteria provided, single submitter. Criteria: CeGaT Center For Human Genetics Tuebingen Variant Classification Criteria Version 2. Collection method: clinical testing. Allele origin: germline. Affected: yes. Observed: 1 variant allele.
Comment: CDH15: BP4